The following is an entry in ClinVar:

ClinVar aggregate classification (germline): Uncertain significance (1 of 4 stars; one submission).

Conditions:
Neurofibromatosis, type 1 (NF1). Also called: Peripheral type neurofibromatosis; VON RECKLINGHAUSEN DISEASE; Neurofibromatosis, type I; NEUROFIBROMATOSIS, TYPE I, SOMATIC. Identifiers: Orphanet 636, MedGen C0027831, MONDO:0018975, OMIM 162200. Disease mechanism: loss of function.

Submission:

Labcorp Genetics (formerly Invitae), Labcorp
Classification: Uncertain significance for Neurofibromatosis, type 1. Last evaluated: 2024-03-06. Review status: criteria provided, single submitter. Criteria: Invitae Variant Classification Sherloc (09022015). Collection method: clinical testing. Allele origin: germline.
Comment: This sequence change falls in intron 7 of the NF1 gene. It does not directly change the encoded amino acid sequence of the NF1 protein. It affects a nucleotide within the consensus splice site. This variant is not present in population databases (gnomAD no frequency). This variant has not been reported in the literature in individuals affected with NF1-related conditions. Variants that disrupt the consensus splice site are a relatively common cause of aberrant splicing (PMID: 17576681, 9536098). Algorithms developed to predict the effect of sequence changes on RNA splicing suggest that this variant may disrupt the consensus splice site. In summary, the available evidence is currently insufficient to determine the role of this variant in disease. Therefore, it has been classified as a Variant of Uncertain Significance.

Literature cited by the submitters: PubMed 17576681; PubMed 9536098.

NM_001042492.3(NF1):c.730+3A>C

Gene: NF1 (neurofibromin 1; plus strand). Cytogenetic location: 17q11.2.
Variant type: single nucleotide variant.
Coding change: c.730+3A>C on transcript NM_001042492.3 (MANE Select); 3 bases into the intron after coding-DNA position 730, A replaced by C.
Molecular consequence: intron variant.
Genome position (GRCh38, 1-based): chr17:31,181,788, A>C. VCF-style: chr17-31181788-A-C. GRCh37 (hg19) VCF-style: chr17-29508806-A-C.
Other names: c.730+3A>C (NM_000267.4, NM_001128147.3).
Identifiers: ClinVar variation 3644732 (VCV003644732.2).
Genomic context (GRCh38, chr17:31,181,788, plus strand): 5'-GAAAATTATCCAGATGAATTTACAAAACTGTACCAGATCCCACAGACTGATATGGCTGGT[A>C]AGGATACGATTGATTTTTTTTTTTTTTTTGTCTTTTAAATGCCTACTTGTGACATAAAAA-3'